The following is an entry in ClinVar:

NM_181675.4(PPP2R2B):c.549C>T (p.Ser183=)

Gene: PPP2R2B (protein phosphatase 2 regulatory subunit Bbeta; minus strand). Cytogenetic location: 5q32.
Variant type: single nucleotide variant.
Coding change: c.549C>T on transcript NM_181675.4 (MANE Select); coding-DNA position 549, C replaced by T.
Protein change: p.Ser183=; no amino-acid change (serine 183 retained).
Molecular consequence: synonymous variant. On other transcripts: non-coding transcript variant (2).
Genome position (GRCh38, 1-based): chr5:146,650,623, G>A on the plus strand (C>T on the coding strand, the complement: PPP2R2B is on the minus strand). VCF-style: chr5-146650623-G-A. GRCh37 (hg19) VCF-style: chr5-146030186-G-A.
Other names: c.549C>T, p.Ser183= (NM_001127381.1, NM_004576.2); c.567C>T, p.Ser189= (NM_001271899.1); c.723C>T, p.Ser241= (NM_001271900.2); c.516C>T, p.Ser172= (NM_001271948.2, NM_181678.2); c.747C>T, p.Ser249= (NM_181674.3); c.558C>T, p.Ser186= (NM_181676.3); c.489C>T, p.Ser163= (NM_181677.2).
Identifiers: ClinVar variation 3033720 (VCV003033720.2), dbSNP rs771068110, ClinGen allele CA3492697.

ClinVar aggregate classification (germline): Likely benign (0 of 4 stars; one submission).

Conditions:
PPP2R2B-related disorder. Also called: PPP2R2B-related condition.

Allele frequency attached by ClinVar (database versions not stated): ExAC 0.00001; gnomAD 0.00001; gnomAD exomes 0.00001; TOPMed 0.00001.
gnomAD v4.1: 18 of 1,613,866 alleles (0.0011%); highest among the groups gnomAD compares: East Asian, 0.011%; no homozygotes.

Submission:

PreventionGenetics, part of Exact Sciences
Classification: Likely benign for PPP2R2B-related condition. Last evaluated: 2019-06-11. Review status: no assertion criteria provided. Collection method: clinical testing. Allele origin: germline.
Comment: This variant is classified as likely benign based on ACMG/AMP sequence variant interpretation guidelines (Richards et al. 2015 PMID: 25741868, with internal and published modifications).